The following is an entry in ClinVar:

ClinVar aggregate classification (germline): Conflicting classifications of pathogenicity. Review status: criteria provided, conflicting classifications (1 of 4 stars). 6 submissions from 4 submitters: Uncertain significance (3); Likely benign (2). 1 of the submissions does not count toward it. Last evaluated 2025-12-23.

Conditions:
RLBP1-related disorder. Also called: RLBP1-related disorders; RLBP1-related condition. Identifiers: MedGen CN239413.
Retinitis pigmentosa (RP). Identifiers: Orphanet 791, MedGen C0035334, MeSH D012174, MONDO:0019200, OMIM 268000. Inheritance: Autosomal dominant, autosomal recessive and X linked inheritance.
Newfoundland cone-rod dystrophy. Identifiers: MedGen C1843815, MONDO:0011839, OMIM 607476.
Pigmentary retinal dystrophy. Also called: Fundus albipunctatus. Identifiers: Orphanet 227796, Orphanet 52427, MedGen C0311338, MONDO:0007639, OMIM 136880, HP:0030642.

Allele frequency attached by ClinVar (database versions not stated): TOPMed 0.00015; gnomAD 0.00021 and 0.00022; gnomAD exomes 0.00021 and 0.00034; ExAC 0.00026; ESP Exome Variant Server 0.00038.

Submissions (6):

Labcorp Genetics (formerly Invitae), Labcorp
Classification: Likely benign. Last evaluated: 2025-12-23. Review status: criteria provided, single submitter. Criteria: Invitae Variant Classification Sherloc (09022015). Collection method: clinical testing. Allele origin: germline.

Blueprint Genetics
Classification: Likely benign. Last evaluated: 2024-06-27. Review status: criteria provided, single submitter. Criteria: ACMG Guidelines, 2015. Collection method: clinical testing. Allele origin: germline.

Illumina Laboratory Services, Illumina
Classification: Uncertain significance for Retinitis pigmentosa. Last evaluated: 2018-01-13. Review status: criteria provided, single submitter. Criteria: ICSL Variant Classification Criteria 13 December 2019. Collection method: clinical testing. Allele origin: germline.

Illumina Laboratory Services, Illumina
Classification: Uncertain significance for Newfoundland cone-rod dystrophy. Last evaluated: 2018-01-13. Review status: criteria provided, single submitter. Criteria: ICSL Variant Classification Criteria 13 December 2019. Collection method: clinical testing. Allele origin: germline.

Illumina Laboratory Services, Illumina
Classification: Uncertain significance for Pigmentary retinal dystrophy. Last evaluated: 2018-01-13. Review status: criteria provided, single submitter. Criteria: ICSL Variant Classification Criteria 13 December 2019. Collection method: clinical testing. Allele origin: germline.

PreventionGenetics, part of Exact Sciences
Classification: Likely benign for RLBP1-related condition. Last evaluated: 2019-05-17. Review status: no assertion criteria provided. Collection method: clinical testing. Allele origin: germline. Not counted in ClinVar's aggregate classification.
Comment: This variant is classified as likely benign based on ACMG/AMP sequence variant interpretation guidelines (Richards et al. 2015 PMID: 25741868, with internal and published modifications).

NM_000326.5(RLBP1):c.796-6C>T

Gene: RLBP1 (retinaldehyde binding protein 1; minus strand). Cytogenetic location: 15q26.1.
Variant type: single nucleotide variant.
Coding change: c.796-6C>T on transcript NM_000326.5 (MANE Select); 6 bases into the intron before coding-DNA position 796, C replaced by T.
Molecular consequence: intron variant.
Genome position (GRCh38, 1-based): chr15:89,210,449, G>A on the plus strand (C>T on the coding strand, the complement: RLBP1 is on the minus strand). VCF-style: chr15-89210449-G-A. GRCh37 (hg19) VCF-style: chr15-89753680-G-A.
Identifiers: ClinVar variation 317234 (VCV000317234.16), dbSNP rs201866933, ClinGen allele CA7722170.